The following is an entry in ClinVar:

ClinVar aggregate classification (germline): Uncertain significance (1 of 4 stars; one submission).

Submission:

Greenwood Genetic Center Diagnostic Laboratories, Greenwood Genetic Center
Classification: Uncertain significance. Last evaluated: 2025-02-19. Review status: criteria provided, single submitter. Criteria: ACMG Guidelines, 2015. Collection method: clinical testing. Allele origin: germline.
Comment: Gene of Uncertain Significance

NM_003292.3(TPR):c.6569G>T (p.Gly2190Val)

Gene: TPR (translocated promoter region, nuclear basket protein; minus strand). Cytogenetic location: 1q31.1.
Variant type: single nucleotide variant.
Coding change: c.6569G>T on transcript NM_003292.3 (MANE Select); coding-DNA position 6569, G replaced by T.
Protein change: p.Gly2190Val; replaces glycine 2190 with valine.
Molecular consequence: missense variant.
Genome position (GRCh38, 1-based): chr1:186,318,828, C>A on the plus strand (G>T on the coding strand, the complement: TPR is on the minus strand). VCF-style: chr1-186318828-C-A. GRCh37 (hg19) VCF-style: chr1-186287960-C-A.
Other names: short protein forms G2190V.
Identifiers: ClinVar variation 4851675 (VCV004851675.1).